The following is an entry in ClinVar:

NM_152730.6(TBC1D32):c.543G>A (p.Leu181=)

Gene: TBC1D32 (TBC1 domain family member 32; minus strand). Cytogenetic location: 6q22.31.
Variant type: single nucleotide variant.
Coding change: c.543G>A on transcript NM_152730.6 (MANE Select); coding-DNA position 543, G replaced by A.
Protein change: p.Leu181=; no amino-acid change (leucine 181 retained).
Molecular consequence: synonymous variant. On other transcripts: non-coding transcript variant (1).
Genome position (GRCh38, 1-based): chr6:121,310,800, C>T on the plus strand (G>A on the coding strand, the complement: TBC1D32 is on the minus strand). VCF-style: chr6-121310800-C-T. GRCh37 (hg19) VCF-style: chr6-121631946-C-T.
Other names: c.543G>A, p.Leu181= (NM_001367759.1, NM_001367760.1).
Identifiers: ClinVar variation 2721827 (VCV002721827.1), dbSNP rs767311216, ClinGen allele CA3981469.
Genomic context (GRCh38, chr6:121,310,800, plus strand): 5'-GTTATCTGCATGAACTTGACAGCTATCCTTGAAACTTACCTCTTTAGGTTGCCCAGGATC[C>T]AACTGGTCTAAAATCAATTGTAATTTTCCTTGACAAAATTTGTAACTCTGTAACACAATT-3'
Protein context (NP_689943.4, residues 171-191): QGKLQLILDQ[Leu181=]DPGQPKEVRY

ClinVar aggregate classification (germline): Uncertain significance (1 of 4 stars; one submission).

Allele frequency attached by ClinVar (database versions not stated): gnomAD exomes 0.00001; ExAC 0.00003; TOPMed 0.00003.

Submission:

Labcorp Genetics (formerly Invitae), Labcorp
Classification: Uncertain significance. Last evaluated: 2023-07-21. Review status: criteria provided, single submitter. Criteria: Invitae Variant Classification Sherloc (09022015). Collection method: clinical testing. Allele origin: germline.
Comment: In summary, the available evidence is currently insufficient to determine the role of this variant in disease. Therefore, it has been classified as a Variant of Uncertain Significance. Algorithms developed to predict the effect of sequence changes on RNA splicing suggest that this variant may disrupt the consensus splice site. This variant has not been reported in the literature in individuals affected with TBC1D32-related conditions. This variant is present in population databases (rs767311216, gnomAD 0.02%). This sequence change affects codon 181 of the TBC1D32 mRNA. It is a 'silent' change, meaning that it does not change the encoded amino acid sequence of the TBC1D32 protein.